The following is an entry in ClinVar:

NM_000181.4(GUSB):c.1714G>A (p.Gly572Ser)

Gene: GUSB (glucuronidase beta; minus strand). Cytogenetic location: 7q11.21.
Variant type: single nucleotide variant.
Coding change: c.1714G>A on transcript NM_000181.4 (MANE Select); coding-DNA position 1714, G replaced by A.
Protein change: p.Gly572Ser; replaces glycine 572 with serine.
Molecular consequence: missense variant. On other transcripts: non-coding transcript variant (1).
Genome position (GRCh38, 1-based): chr7:65,964,398, C>T on the plus strand (G>A on the coding strand, the complement: GUSB is on the minus strand). VCF-style: chr7-65964398-C-T. GRCh37 (hg19) VCF-style: chr7-65429385-C-T.
Other names: c.1276G>A, p.Gly426Ser (NM_001284290.2); c.1144G>A, p.Gly382Ser (NM_001293104.2); c.1057G>A, p.Gly353Ser (NM_001293105.2); short protein forms G353S, G382S, G426S, G572S.
Identifiers: ClinVar variation 3242172 (VCV003242172.1), dbSNP rs1473884638.

ClinVar aggregate classification (germline): Uncertain significance (1 of 4 stars; one submission).

Conditions:
Mucopolysaccharidosis type 7 (MPS7). Also called: BETA-GLUCURONIDASE DEFICIENCY; GUSB DEFICIENCY; SLY SYNDROME; MPS VII. Identifiers: Orphanet 584, MedGen C0085132, MONDO:0009662, OMIM 253220.

gnomAD v4.1: 6 of 1,610,612 alleles (0.00037%); highest among the groups gnomAD compares: South Asian, 0.0066%; no homozygotes.

Submission:

Neuberg Centre For Genomic Medicine, NCGM
Classification: Uncertain significance for Mucopolysaccharidosis type 7. Review status: criteria provided, single submitter. Criteria: ACMG Guidelines, 2015. Collection method: clinical testing. Allele origin: germline. Inheritance: Autosomal recessive inheritance. Affected: yes.
Comment: The observed missense variant c.1714G>A (p.Gly572Ser) variant in GUSB gene has not been reported previously as a pathogenic variant nor as a benign variant, to our knowledge. The variant is present with an allele frequency of 0.0008% in gnomAD exomes database. This variant has not been submitted to the ClinVar database. Multiple lines of computational evidence (SIFT - tolerated; Polyphen - benign; MutationTaster - polymorphism) predict no damaging effect on protein structure and function for this variant. The amino acid change p.Gly572Ser in GUSB is predicted as conserved by GERP++ and PhyloP across 100 vertebrates. The amino acid Gly at position 572 is changed to a Ser changing protein sequence and it might alter its composition and physico-chemical properties. For these reasons, this variant has been classified as Uncertain Significance (VUS).